The following is an entry in ClinVar:

NM_001083603.3(PTCH1):c.17G>C (p.Arg6Thr)

Gene: PTCH1 (patched 1; minus strand). Cytogenetic location: 9q22.32.
Variant type: single nucleotide variant.
Coding change: c.17G>C on transcript NM_001083603.3 (MANE Plus Clinical); coding-DNA position 17, G replaced by C.
Protein change: p.Arg6Thr; replaces arginine 6 with threonine.
Molecular consequence: missense variant. On other transcripts: 5 prime UTR variant (2).
Genome position (GRCh38, 1-based): chr9:95,516,804, C>G on the plus strand (G>C on the coding strand, the complement: PTCH1 is on the minus strand). VCF-style: chr9-95516804-C-G. GRCh37 (hg19) VCF-style: chr9-98279086-C-G.
Other names: c.-333G>C (NM_001083602.3, NM_001354919.2); short protein forms R6T.
Identifiers: ClinVar variation 2573386 (VCV002573386.1), dbSNP rs753812292, ClinGen allele CA5139135.

ClinVar aggregate classification (germline): Uncertain significance (1 of 4 stars; one submission).

Allele frequency attached by ClinVar (database versions not stated): gnomAD exomes below 0.00001; TOPMed 0.00005; gnomAD 0.00003; ExAC 0.00002.
gnomAD v4.1: 9 of 1,610,264 alleles (0.00056%); highest among the groups gnomAD compares: African/African-American, 0.011%; no homozygotes.

Submission:

Women's Health and Genetics/Laboratory Corporation of America, LabCorp
Classification: Uncertain significance. Last evaluated: 2023-06-28. Review status: criteria provided, single submitter. Criteria: LabCorp Variant Classification Summary - May 2015. Collection method: clinical testing. Allele origin: germline.
Comment: Variant summary: PTCH1 c.-8443G>C is located in the untranscribed region upstream of the PTCH1 gene region, however, also corresponds to NM_001083603:c.17G>C (p.Arg6Thr) where it is located in a poorly expressed exon (GTEx database). Three of three in-silico tools predict a damaging effect of the variant on protein function. The variant allele was found at a frequency of 1.2e-05 (i.e., 3 heterozygotes) in 244822 control chromosomes (gnomAD v2.1, Exomes dataset). The available data on variant occurrences in the general population are insufficient to allow any conclusion about variant significance. To our knowledge, no occurrence of c.-8443G>C in individuals affected with Nevoid Basal Cell Carcinoma Syndrome (Gorlin Syndrome) and no experimental evidence demonstrating its impact on protein function have been reported. No submitters have cited clinical-significance assessments for this variant to ClinVar after 2014. Based on the evidence outlined above, the variant was classified as uncertain significance.